The following is an entry in ClinVar:

NM_001018115.3(FANCD2):c.2148C>G (p.Thr716=)

Genes: FANCD2 (FA complementation group D2; plus strand), LOC107303338 (3p25 FANCD2 Alu-mediated recombination region; plus strand). Cytogenetic location: 3p25.3.
Variant type: single nucleotide variant.
Coding change: c.2148C>G on transcript NM_001018115.3 (MANE Select); coding-DNA position 2148, C replaced by G.
Protein change: p.Thr716=; no amino-acid change (threonine 716 retained).
Molecular consequence: synonymous variant.
Genome position (GRCh38, 1-based): chr3:10,064,855, C>G. VCF-style: chr3-10064855-C-G. GRCh37 (hg19) VCF-style: chr3-10106539-C-G.
Other names: c.2148C>G, p.Thr716= (NM_001319984.2, NM_001374254.1, NM_033084.6); c.2037C>G, p.Thr679= (NM_001374253.1).
Identifiers: ClinVar variation 241734 (VCV000241734.35), dbSNP rs55856815, ClinGen allele CA2249972.

ClinVar aggregate classification (germline): Benign/Likely benign. Review status: criteria provided, multiple submitters, no conflicts (2 of 4 stars). 8 submissions from 8 submitters: Benign (5); Likely benign (1). 2 of the submissions do not count toward it. Last evaluated 2026-09-01.

Conditions:
Fanconi anemia (FA). Also called: Fanconi's anemia. Identifiers: Orphanet 84, MedGen C0015625, MeSH D005199, MONDO:0019391.
Fanconi anemia complementation group D2. Also called: FANCD2-Related Fanconi Anemia; FANCONI PANCYTOPENIA, TYPE 4; FANCONI ANEMIA, COMPLEMENTATION GROUP D. Identifiers: Orphanet 84, MedGen C3160738, MONDO:0009214, OMIM 227646.

Allele frequency attached by ClinVar (database versions not stated): 1000 Genomes Project 0.00499; 1000 Genomes Project 30x 0.00562; gnomAD 0.00878 and 0.00952; TOPMed 0.00964; gnomAD exomes 0.00987; ESP Exome Variant Server 0.01015; ExAC 0.01031.
gnomAD v4.1: 19,456 of 1,613,540 alleles (1.2%); highest among the groups gnomAD compares: Non-Finnish European, 1.4%; 92 homozygotes.

Submissions (8):

CeGaT Center for Human Genetics Tuebingen
Classification: Benign. Last evaluated: 2026-09-01. Review status: criteria provided, single submitter. Criteria: CeGaT Center For Human Genetics Tuebingen Variant Classification Criteria Version 2. Collection method: clinical testing. Allele origin: germline. Affected: yes. Observed: 68 variant alleles.
Comment: FANCD2: BP4, BP7, BS1, BS2

Labcorp Genetics (formerly Invitae), Labcorp
Classification: Benign for Fanconi anemia. Last evaluated: 2026-02-04. Review status: criteria provided, single submitter. Criteria: Invitae Variant Classification Sherloc (09022015). Collection method: clinical testing. Allele origin: germline.

Blueprint Genetics
Classification: Likely benign. Last evaluated: 2024-11-26. Review status: criteria provided, single submitter. Criteria: ACMG Guidelines, 2015. Collection method: clinical testing. Allele origin: germline.

ARUP Laboratories, Molecular Genetics and Genomics, ARUP Laboratories
Classification: Benign for Fanconi anemia complementation group D2. Last evaluated: 2024-10-27. Review status: criteria provided, single submitter. Criteria: ARUP Molecular Germline Variant Investigation Process 2024. Collection method: clinical testing. Allele origin: germline.

Illumina Laboratory Services, Illumina
Classification: Benign for Fanconi anemia complementation group D2. Last evaluated: 2018-01-13. Review status: criteria provided, single submitter. Criteria: ICSL Variant Classification Criteria 13 December 2019. Collection method: clinical testing. Allele origin: germline.
Comment: This variant was observed in the ICSL laboratory as part of a predisposition screen in an ostensibly healthy population. It had not been previously curated by ICSL or reported in the Human Gene Mutation Database (HGMD: prior to June 1st, 2018), and was therefore a candidate for classification through an automated scoring system. Utilizing variant allele frequency, disease prevalence and penetrance estimates, and inheritance mode, an automated score was calculated to assess if this variant is too frequent to cause the disease. Based on the score and internal cut-off values, a variant classified as benign is not then subjected to further curation. The score for this variant resulted in a classification of benign for this disease.

Breakthrough Genomics
Classification: Benign. Review status: criteria provided, single submitter. Criteria: ACMG Guidelines, 2015. Collection method: not provided. Allele origin: germline. Inheritance: Autosomal recessive inheritance. Affected: yes.

Genome Diagnostics Laboratory, Amsterdam University Medical Center
Classification: Benign. Review status: no assertion criteria provided. Collection method: clinical testing. Allele origin: germline. Affected: yes. Study: VKGL Data-share Consensus. Not counted in ClinVar's aggregate classification.

Laboratory of Diagnostic Genome Analysis, Leiden University Medical Center (LUMC)
Classification: Benign. Review status: no assertion criteria provided. Collection method: clinical testing. Allele origin: germline. Affected: yes. Study: VKGL Data-share Consensus. Not counted in ClinVar's aggregate classification.